The following is an entry in ClinVar:

NM_000381.4(MID1):c.162C>T (p.Phe54=)

Gene: MID1 (midline 1; minus strand). Cytogenetic location: Xp22.2.
Variant type: single nucleotide variant.
Coding change: c.162C>T on transcript NM_000381.4 (MANE Select); coding-DNA position 162, C replaced by T.
Protein change: p.Phe54=; no amino-acid change (phenylalanine 54 retained).
Molecular consequence: synonymous variant.
Genome position (GRCh38, 1-based): chrX:10,567,386, G>A on the plus strand (C>T on the coding strand, the complement: MID1 is on the minus strand). VCF-style: chrX-10567386-G-A. GRCh37 (hg19) VCF-style: chrX-10535426-G-A.
Other names: c.162C>T (NM_000381.3); c.162C>T, p.Phe54= (NM_001098624.2, NM_001193277.1, NM_001193278.1 and 5 more transcripts).
Identifiers: ClinVar variation 3000895 (VCV003000895.5), dbSNP rs368021427, ClinGen allele CA10347724.

ClinVar aggregate classification (germline): Likely benign. Review status: criteria provided, single submitter (1 of 4 stars). 2 submissions from 2 submitters: Likely benign (1). 1 of the submissions does not count toward it. Last evaluated 2024-04-25.

Conditions:
MID1-related disorder. Also called: MID1-related condition.

Allele frequency attached by ClinVar (database versions not stated): gnomAD exomes below 0.00001; ExAC 0.00001; gnomAD 0.00007; TOPMed 0.00007; ESP Exome Variant Server 0.00019.
gnomAD v4.1: 11 of 1,201,791 alleles (0.00092%); highest among the groups gnomAD compares: African/African-American, 0.018%; no homozygotes.

Submissions (2):

Labcorp Genetics (formerly Invitae), Labcorp
Classification: Likely benign. Last evaluated: 2024-04-25. Review status: criteria provided, single submitter. Criteria: Invitae Variant Classification Sherloc (09022015). Collection method: clinical testing. Allele origin: germline.

PreventionGenetics, part of Exact Sciences
Classification: Likely benign for MID1-related condition. Last evaluated: 2019-07-16. Review status: no assertion criteria provided. Collection method: clinical testing. Allele origin: germline. Not counted in ClinVar's aggregate classification.
Comment: This variant is classified as likely benign based on ACMG/AMP sequence variant interpretation guidelines (Richards et al. 2015 PMID: 25741868, with internal and published modifications).